The following is an entry in ClinVar:

ClinVar aggregate classification (germline): Conflicting classifications of pathogenicity. Review status: criteria provided, conflicting classifications (1 of 4 stars). 4 submissions from 4 submitters: Uncertain significance (3); Likely benign (1). Last evaluated 2025-06-07.

Conditions:
Cardiovascular phenotype. Identifiers: MedGen CN230736.
Naxos disease (NXD). Also called: MAL DE NAXOS; PALMOPLANTAR KERATODERMA WITH ARRHYTHMOGENIC RIGHT VENTRICULAR CARDIOMYOPATHY AND WOOLLY HAIR; WOOLLY HAIR, PALMOPLANTAR KERATODERMA, AND CARDIAC ABNORMALITIES; CARDIOMYOPATHY, ARRHYTHMOGENIC RIGHT VENTRICULAR, WITH SKIN, HAIR, AND NAIL ABNORMALITIES; KERATOSIS PALMOPLANTARIS WITH ARRHYTHMOGENIC CARDIOMYOPATHY. Identifiers: Orphanet 34217, MedGen C1832600, MONDO:0011017, OMIM 601214.
Arrhythmogenic right ventricular dysplasia 12. Also called: ARRHYTHMOGENIC RIGHT VENTRICULAR DYSPLASIA, FAMILIAL, 12. Identifiers: MedGen C1969081, MONDO:0012684, OMIM 611528.

Allele frequency attached by ClinVar (database versions not stated): gnomAD 0.00001; TOPMed 0.00003.
gnomAD v4.1: 10 of 1,614,002 alleles (0.00062%); highest among the groups gnomAD compares: African/African-American, 0.011%; no homozygotes.

Submissions (4):

Labcorp Genetics (formerly Invitae), Labcorp
Classification: Uncertain significance for Arrhythmogenic right ventricular dysplasia 12; Naxos disease. Last evaluated: 2025-06-07. Review status: criteria provided, single submitter. Criteria: Invitae Variant Classification Sherloc (09022015). Collection method: clinical testing. Allele origin: germline.
Comment: This sequence change replaces glutamine, which is neutral and polar, with leucine, which is neutral and non-polar, at codon 317 of the JUP protein (p.Gln317Leu). The frequency data for this variant in the population databases is considered unreliable, as metrics indicate poor data quality at this position in the gnomAD database. This variant has not been reported in the literature in individuals affected with JUP-related conditions. ClinVar contains an entry for this variant (Variation ID: 928584). An algorithm developed to predict the effect of missense changes on protein structure and function (PolyPhen-2) suggests that this variant is likely to be tolerated. In summary, the available evidence is currently insufficient to determine the role of this variant in disease. Therefore, it has been classified as a Variant of Uncertain Significance.

GeneDx
Classification: Uncertain significance. Last evaluated: 2024-03-28. Review status: criteria provided, single submitter. Criteria: GeneDx Variant Classification Process June 2021. Collection method: clinical testing. Allele origin: germline. Affected: yes.
Comment: Has not been previously published as pathogenic or benign to our knowledge; Not observed at significant frequency in large population cohorts (gnomAD); In silico analysis supports that this missense variant has a deleterious effect on protein structure/function

Ambry Genetics
Classification: Likely benign for Cardiovascular phenotype. Last evaluated: 2023-02-27. Review status: criteria provided, single submitter. Criteria: Ambry Variant Classification Scheme 2023. Collection method: clinical testing. Allele origin: germline.

Women's Health and Genetics/Laboratory Corporation of America, LabCorp
Classification: Uncertain significance. Last evaluated: 2019-09-16. Review status: criteria provided, single submitter. Criteria: LabCorp Variant Classification Summary - May 2015. Collection method: clinical testing. Allele origin: germline.
Comment: Variant summary: JUP c.950A>T (p.Gln317Leu) results in a non-conservative amino acid change located in one of the Armadillo domain (IPR000225) of the encoded protein sequence. Three of five in-silico tools predict a damaging effect of the variant on protein function. The variant allele was found at a frequency of 1.6e-05 in 251442 control chromosomes (gnomAD). The available data on variant occurrences in the general population are insufficient to allow any conclusion about variant significance. To our knowledge, no occurrence of c.950A>T in individuals affected with Cardiomyopathy and no experimental evidence demonstrating an impact on protein function have been reported. No clinical diagnostic laboratories have submitted clinical-significance assessments for this variant to ClinVar after 2014. Based on the evidence outlined above, the variant was classified as uncertain significance.

NM_002230.4(JUP):c.950A>T (p.Gln317Leu)

Gene: JUP (junction plakoglobin; minus strand). Cytogenetic location: 17q21.2.
Variant type: single nucleotide variant.
Coding change: c.950A>T on transcript NM_002230.4 (MANE Select); coding-DNA position 950, A replaced by T.
Protein change: p.Gln317Leu; replaces glutamine 317 with leucine.
Molecular consequence: missense variant.
Genome position (GRCh38, 1-based): chr17:41,765,027, T>A on the plus strand (A>T on the coding strand, the complement: JUP is on the minus strand). VCF-style: chr17-41765027-T-A. GRCh37 (hg19) VCF-style: chr17-39921279-T-A.
Other names: c.950A>T, p.Gln317Leu (NM_001352773.2, NM_001352774.2, NM_001352775.2 and 3 more transcripts); short protein forms Q317L.
Identifiers: ClinVar variation 928584 (VCV000928584.11), dbSNP rs782509792, ClinGen allele CA8565332.